The following is an entry in ClinVar:

NM_000440.3(PDE6A):c.106C>T (p.Leu36Phe)

Gene: PDE6A (phosphodiesterase 6A; minus strand). Cytogenetic location: 5q32.
Variant type: single nucleotide variant.
Coding change: c.106C>T on transcript NM_000440.3 (MANE Select); coding-DNA position 106, C replaced by T.
Protein change: p.Leu36Phe; replaces leucine 36 with phenylalanine.
Molecular consequence: missense variant.
Genome position (GRCh38, 1-based): chr5:149,944,568, G>A on the plus strand (C>T on the coding strand, the complement: PDE6A is on the minus strand). VCF-style: chr5-149944568-G-A. GRCh37 (hg19) VCF-style: chr5-149324131-G-A.
Other names: short protein forms L36F.
Identifiers: ClinVar variation 1395687 (VCV001395687.6), dbSNP rs1393711147, ClinGen allele CA361701346.

ClinVar aggregate classification (germline): Uncertain significance (1 of 4 stars; one submission).

Submission:

Labcorp Genetics (formerly Invitae), Labcorp
Classification: Uncertain significance. Last evaluated: 2022-03-09. Review status: criteria provided, single submitter. Criteria: Invitae Variant Classification Sherloc (09022015). Collection method: clinical testing. Allele origin: germline.
Comment: This sequence change replaces leucine, which is neutral and non-polar, with phenylalanine, which is neutral and non-polar, at codon 36 of the PDE6A protein (p.Leu36Phe). In summary, the available evidence is currently insufficient to determine the role of this variant in disease. Therefore, it has been classified as a Variant of Uncertain Significance. Algorithms developed to predict the effect of missense changes on protein structure and function are either unavailable or do not agree on the potential impact of this missense change (SIFT: "Deleterious"; PolyPhen-2: "Probably Damaging"; Align-GVGD: "Class C0"). This variant has not been reported in the literature in individuals affected with PDE6A-related conditions. This variant is not present in population databases (gnomAD no frequency).